The following is an entry in ClinVar:

NM_016032.4(ZDHHC9):c.989A>G (p.Glu330Gly)

Gene: ZDHHC9 (zDHHC palmitoyltransferase 9; minus strand). Cytogenetic location: Xq26.1.
Variant type: single nucleotide variant.
Coding change: c.989A>G on transcript NM_016032.4 (MANE Select); coding-DNA position 989, A replaced by G.
Protein change: p.Glu330Gly; replaces glutamic acid 330 with glycine.
Molecular consequence: missense variant.
Genome position (GRCh38, 1-based): chrX:129,806,476, T>C on the plus strand (A>G on the coding strand, the complement: ZDHHC9 is on the minus strand). VCF-style: chrX-129806476-T-C. GRCh37 (hg19) VCF-style: chrX-128940452-T-C.
Other names: c.989A>G, p.Glu330Gly (NM_001008222.3); short protein forms E330G.
Identifiers: ClinVar variation 1054819 (VCV001054819.9), dbSNP rs1370221742, ClinGen allele CA414578918.

ClinVar aggregate classification (germline): Uncertain significance (1 of 4 stars; one submission).

Conditions:
Intellectual developmental disorder, X-linked, syndromic, Raymond type. Also called: Syndromic X-linked intellectual disability Raymond type. Identifiers: MedGen C3275406, MONDO:0010427, OMIM 300799.

Allele frequency attached by ClinVar (database versions not stated): gnomAD exomes below 0.00001; TOPMed 0.00003; gnomAD 0.00001.
gnomAD v4.1: 2 of 1,207,176 alleles (0.00017%); highest among the groups gnomAD compares: African/African-American, 0.0018%; no homozygotes.

Submission:

Labcorp Genetics (formerly Invitae), Labcorp
Classification: Uncertain significance for Intellectual developmental disorder, X-linked, syndromic, Raymond type. Last evaluated: 2025-01-05. Review status: criteria provided, single submitter. Criteria: Invitae Variant Classification Sherloc (09022015). Collection method: clinical testing. Allele origin: germline.
Comment: This sequence change replaces glutamic acid, which is acidic and polar, with glycine, which is neutral and non-polar, at codon 330 of the ZDHHC9 protein (p.Glu330Gly). This variant is not present in population databases (gnomAD no frequency). This variant has not been reported in the literature in individuals affected with ZDHHC9-related conditions. ClinVar contains an entry for this variant (Variation ID: 1054819). An algorithm developed to predict the effect of missense changes on protein structure and function (PolyPhen-2) suggests that this variant is likely to be tolerated. In summary, the available evidence is currently insufficient to determine the role of this variant in disease. Therefore, it has been classified as a Variant of Uncertain Significance.